The following is an entry in ClinVar:

NM_000138.5(FBN1):c.8137G>A (p.Glu2713Lys)

Gene: FBN1 (fibrillin 1; minus strand). Cytogenetic location: 15q21.1.
Variant type: single nucleotide variant.
Coding change: c.8137G>A on transcript NM_000138.5 (MANE Select); coding-DNA position 8137, G replaced by A.
Protein change: p.Glu2713Lys; replaces glutamic acid 2713 with lysine.
Molecular consequence: missense variant.
Genome position (GRCh38, 1-based): chr15:48,412,658, C>T on the plus strand (G>A on the coding strand, the complement: FBN1 is on the minus strand). VCF-style: chr15-48412658-C-T. GRCh37 (hg19) VCF-style: chr15-48704855-C-T.
Other names: short protein forms E2713K.
Identifiers: ClinVar variation 1060073 (VCV001060073.9), dbSNP rs2141211697, ClinGen allele CA392321215.
Genomic context (GRCh38, chr15:48,412,658, plus strand): 5'-TGCTTCTCCGTTTCCTGCCCCGTTTGGGGTAGCCATTGATCTTACACTCGTAACAAGCCT[C>T]TGGGGAGAGTGAATTGTCATCCATTTCACCACTGACAGGTGGCTCTGGGTTTCCTCGGCC-3'
Protein context (NP_000129.3, residues 2703-2723): GEMDDNSLSP[Glu2713Lys]ACYECKINGY

ClinVar aggregate classification (germline): Uncertain significance (1 of 4 stars; one submission).

Conditions:
Marfan syndrome (MFS). Also called: FBN1-Related Marfan Syndrome; MARFAN SYNDROME, TYPE I; Marfan syndrome type 1; Marfan's syndrome; Marfan syndrome, classic. Identifiers: Orphanet 284963, Orphanet 558, MedGen C0024796, MONDO:0007947, OMIM 154700.
Familial thoracic aortic aneurysm and aortic dissection (TAAD). Also called: Thoracic aortic aneurysms and dissections. Identifiers: Orphanet 91387, MedGen C4707243, MONDO:0019625.

Allele frequency attached by ClinVar (database versions not stated): gnomAD exomes below 0.00001.
gnomAD v4.1: 3 of 1,614,272 alleles (0.00019%); highest among the groups gnomAD compares: African/African-American, 0.0027%; no homozygotes.

Submission:

Labcorp Genetics (formerly Invitae), Labcorp
Classification: Uncertain significance for Marfan syndrome; Familial thoracic aortic aneurysm and aortic dissection. Last evaluated: 2017-12-31. Review status: criteria provided, single submitter. Criteria: Invitae Variant Classification Sherloc (09022015). Collection method: clinical testing. Allele origin: germline.
Comment: This sequence change replaces glutamic acid with lysine at codon 2713 of the FBN1 protein (p.Glu2713Lys). The glutamic acid residue is highly conserved and there is a small physicochemical difference between glutamic acid and lysine. This variant is not present in population databases (ExAC no frequency). This variant has not been reported in the literature in individuals with FBN1-related disease. Algorithms developed to predict the effect of missense changes on protein structure and function do not agree on the potential impact of this missense change (SIFT: "Deleterious"; PolyPhen-2: "Probably Damaging"; Align-GVGD: "Class C0"). In summary, the available evidence is currently insufficient to determine the role of this variant in disease. Therefore, it has been classified as a Variant of Uncertain Significance.